The following is an entry in ClinVar:

ClinVar aggregate classification (germline): Conflicting classifications of pathogenicity. Review status: criteria provided, conflicting classifications (1 of 4 stars). 3 submissions from 3 submitters: Uncertain significance (2); Likely benign (1). Last evaluated 2025-05-13.

Conditions:
Cardiomyopathy (CMYO). Also called: Cardiomyopathies. Identifiers: Orphanet 167848, MedGen C0878544, MONDO:0004994, HP:0001638. Inheritance: Various modes of inheritance.

Allele frequency attached by ClinVar (database versions not stated): gnomAD exomes 0.00008 and 0.00002; TOPMed 0.00002; gnomAD 0.00001.
gnomAD v4.1: 10 of 1,413,292 alleles (0.00071%); highest among the groups gnomAD compares: Admixed American, 0.02%; no homozygotes.

Submissions (3):

Labcorp Genetics (formerly Invitae), Labcorp
Classification: Uncertain significance. Last evaluated: 2025-05-13. Review status: criteria provided, single submitter. Criteria: Invitae Variant Classification Sherloc (09022015). Collection method: clinical testing. Allele origin: germline.
Comment: This sequence change replaces proline, which is neutral and non-polar, with serine, which is neutral and polar, at codon 64 of the CTF1 protein (p.Pro64Ser). This variant is present in population databases (no rsID available, gnomAD 0.05%), and has an allele count higher than expected for a pathogenic variant. This variant has not been reported in the literature in individuals affected with CTF1-related conditions. ClinVar contains an entry for this variant (Variation ID: 1329231). An algorithm developed to predict the effect of missense changes on protein structure and function (PolyPhen-2) suggests that this variant is likely to be disruptive. In summary, the available evidence is currently insufficient to determine the role of this variant in disease. Therefore, it has been classified as a Variant of Uncertain Significance.

Ambry Genetics
Classification: Uncertain significance. Last evaluated: 2025-02-06. Review status: criteria provided, single submitter. Criteria: Ambry Variant Classification Scheme 2023. Collection method: clinical testing. Allele origin: germline.

CHEO Genetics Diagnostic Laboratory, Children's Hospital of Eastern Ontario
Classification: Likely benign for Cardiomyopathy. Last evaluated: 2020-11-12. Review status: criteria provided, single submitter. Criteria: ACMG Guidelines, 2015. Collection method: clinical testing. Allele origin: germline.

NM_001330.5(CTF1):c.190C>T (p.Pro64Ser)

Genes: CTF1 (cardiotrophin 1; plus strand), LOC130058878 (ATAC-STARR-seq lymphoblastoid silent region 7400; plus strand). Cytogenetic location: 16p11.2.
Variant type: single nucleotide variant.
Coding change: c.190C>T on transcript NM_001330.5 (MANE Select); coding-DNA position 190, C replaced by T.
Protein change: p.Pro64Ser; replaces proline 64 with serine.
Molecular consequence: missense variant. On other transcripts: non-coding transcript variant (1).
Genome position (GRCh38, 1-based): chr16:30,902,123, C>T. VCF-style: chr16-30902123-C-T. GRCh37 (hg19) VCF-style: chr16-30913444-C-T.
Other names: c.187C>T, p.Pro63Ser (NM_001142544.3); short protein forms P63S, P64S.
Identifiers: ClinVar variation 1329231 (VCV001329231.8), dbSNP rs1373635087, ClinGen allele CA395618368.